The following is an entry in ClinVar:

ClinVar aggregate classification (germline): Uncertain significance. Review status: criteria provided, multiple submitters, no conflicts (2 of 4 stars). 10 submissions from 10 submitters: Uncertain significance (8). 2 of the submissions do not count toward it. Last evaluated 2026-03-01.

Conditions:
Hereditary cancer-predisposing syndrome. Also called: Tumor predisposition; Neoplastic Syndromes, Hereditary; Hereditary Cancer Syndrome; Hereditary neoplastic syndrome. Identifiers: Orphanet 140162, MedGen C0027672, MeSH D009386, MONDO:0015356.
Fanconi anemia (FA). Also called: Fanconi's anemia. Identifiers: Orphanet 84, MedGen C0015625, MeSH D005199, MONDO:0019391.
Fanconi anemia complementation group C (FANCC). Also called: FANCC-Related Fanconi Anemia; Fanconi anemia, group C; FANCONI PANCYTOPENIA, TYPE 3; FACC. Identifiers: Orphanet 84, MedGen C3468041, MONDO:0009213, OMIM 227645.

Allele frequency attached by ClinVar (database versions not stated): ExAC 0.00001; gnomAD exomes 0.00001 and 0.00002; gnomAD 0.00003 and 0.00005; TOPMed 0.00005.
gnomAD v4.1: 13 of 1,613,306 alleles (0.00081%); highest among the groups gnomAD compares: Admixed American, 0.0067%; no homozygotes.

Submissions (10):

CeGaT Center for Human Genetics Tuebingen
Classification: Uncertain significance. Last evaluated: 2026-03-01. Review status: criteria provided, single submitter. Criteria: CeGaT Center For Human Genetics Tuebingen Variant Classification Criteria Version 2. Collection method: clinical testing. Allele origin: germline. Affected: yes. Observed: 1 variant allele.
Comment: FANCC: PM2, BP4

Quest Diagnostics Nichols Institute San Juan Capistrano
Classification: Uncertain significance. Last evaluated: 2025-04-01. Review status: criteria provided, single submitter. Criteria: Quest Diagnostics criteria. Collection method: clinical testing. Allele origin: unknown.
Comment: The FANCC c.1316G>A (p.Arg439Lys) variant has not been reported in individuals with FANCC-related conditions in the published literature. The frequency of this variant in the general population (Genome Aggregation Database) is uninformative in the assessment of its pathogenicity. Analysis of this variant using bioinformatics tools for the prediction of the effect of amino acid changes on protein structure and function yielded conflicting predictions that this variant is benign or damaging. Based on the available information, we are unable to determine the clinical significance of this variant.

Labcorp Genetics (formerly Invitae), Labcorp
Classification: Uncertain significance for Fanconi anemia. Last evaluated: 2024-08-26. Review status: criteria provided, single submitter. Criteria: Invitae Variant Classification Sherloc (09022015). Collection method: clinical testing. Allele origin: germline.
Comment: This sequence change replaces arginine, which is basic and polar, with lysine, which is basic and polar, at codon 439 of the FANCC protein (p.Arg439Lys). This variant is present in population databases (rs730881723, gnomAD 0.003%). This variant has not been reported in the literature in individuals affected with FANCC-related conditions. ClinVar contains an entry for this variant (Variation ID: 182486). Invitae Evidence Modeling of protein sequence and biophysical properties (such as structural, functional, and spatial information, amino acid conservation, physicochemical variation, residue mobility, and thermodynamic stability) has been performed for this missense variant. However, the output from this modeling did not meet the statistical confidence thresholds required to predict the impact of this variant on FANCC protein function. In summary, the available evidence is currently insufficient to determine the role of this variant in disease. Therefore, it has been classified as a Variant of Uncertain Significance.

Ambry Genetics
Classification: Uncertain significance for Hereditary cancer-predisposing syndrome. Last evaluated: 2024-08-20. Review status: criteria provided, single submitter. Criteria: Ambry Variant Classification Scheme 2023. Collection method: clinical testing. Allele origin: germline.
Comment: The p.R439K variant (also known as c.1316G>A), located in coding exon 12 of the FANCC gene, results from a G to A substitution at nucleotide position 1316. The arginine at codon 439 is replaced by lysine, an amino acid with highly similar properties. This amino acid position is well conserved in available vertebrate species. In addition, this alteration is predicted to be tolerated by in silico analysis. Since supporting evidence is limited at this time, the clinical significance of this alteration remains unclear.

Fulgent Genetics
Classification: Uncertain significance for Fanconi anemia complementation group C. Last evaluated: 2024-06-20. Review status: criteria provided, single submitter. Criteria: ACMG Guidelines, 2015. Collection method: clinical testing. Allele origin: germline.

GeneDx
Classification: Uncertain significance. Last evaluated: 2024-04-16. Review status: criteria provided, single submitter. Criteria: GeneDx Variant Classification Process June 2021. Collection method: clinical testing. Allele origin: germline. Affected: yes.
Comment: Not observed at significant frequency in large population cohorts (gnomAD); In silico analysis supports that this missense variant does not alter protein structure/function; Has not been previously published as pathogenic or benign to our knowledge

Women's Health and Genetics/Laboratory Corporation of America, LabCorp
Classification: Uncertain significance. Last evaluated: 2023-04-07. Review status: criteria provided, single submitter. Criteria: LabCorp Variant Classification Summary - May 2015. Collection method: clinical testing. Allele origin: germline.

Mayo Clinic Laboratories, Mayo Clinic
Classification: Uncertain significance. Last evaluated: 2020-08-04. Review status: criteria provided, single submitter. Criteria: ACMG Guidelines, 2015. Collection method: clinical testing. Allele origin: germline. Observed: 1 variant allele.

Genetic Services Laboratory, University of Chicago
Classification: Uncertain significance. Last evaluated: 2022-09-16. Review status: no assertion criteria provided. Collection method: clinical testing. Allele origin: germline. Affected: no. Not counted in ClinVar's aggregate classification.
Comment: DNA sequence analysis of the FANCC gene demonstrated a sequence change, c.1316G>A, in exon 13 that results in an amino acid change, p.Arg439Lys. This sequence change does not appear to have been previously described in individuals with FANCC-related disorders. This sequence change has been described in the gnomAD database with a frequency of 0.0016% in the overall population (dbSNP rs730881723). The p.Arg439Lys change affects a highly conserved amino acid residue located in a domain of the FANCC protein that is known to be functional. In-silico pathogenicity prediction tools (SIFT, PolyPhen2, Align GVGD, REVEL) provide contradictory results for the p.Arg439Lys substitution. Due to insufficient evidences and the lack of functional studies, the clinical significance of the p.Arg439Lys change remains unknown at this time.

Natera, Inc.
Classification: Uncertain significance for Fanconi anemia. Last evaluated: 2018-07-24. Review status: no assertion criteria provided. Collection method: clinical testing. Allele origin: germline. Not counted in ClinVar's aggregate classification.

NM_000136.3(FANCC):c.1316G>A (p.Arg439Lys)

Genes: AOPEP (aminopeptidase O (putative); plus strand), FANCC (FA complementation group C; minus strand). Cytogenetic location: 9q22.32.
Variant type: single nucleotide variant.
Coding change: c.1316G>A on transcript NM_000136.3 (MANE Select); coding-DNA position 1316, G replaced by A.
Protein change: p.Arg439Lys; replaces arginine 439 with lysine.
Molecular consequence: missense variant.
Genome position (GRCh38, 1-based): chr9:95,111,476, C>T on the plus strand (G>A on the coding strand, the complement: FANCC is on the minus strand). VCF-style: chr9-95111476-C-T. GRCh37 (hg19) VCF-style: chr9-97873758-C-T.
Other names: p.R439K:AGA>AAA; c.1316G>A, p.Arg439Lys (NM_001243743.2, NM_001243744.2); short protein forms R439K.
Identifiers: ClinVar variation 182486 (VCV000182486.34), dbSNP rs730881723, ClinGen allele CA299187.